The following is an entry in ClinVar:

ClinVar aggregate classification (germline): Uncertain significance. Review status: criteria provided, multiple submitters, no conflicts (2 of 4 stars). 2 submissions from 2 submitters: Uncertain significance (2). Last evaluated 2026-10-13.

Allele frequency attached by ClinVar (database versions not stated): gnomAD exomes below 0.00001.
gnomAD v4.1: 2 of 1,565,758 alleles (0.00013%); highest among the groups gnomAD compares: Non-Finnish European, 0.00017%; no homozygotes.

Submissions (2):

GeneDx
Classification: Uncertain significance. Last evaluated: 2026-10-13. Review status: criteria provided, single submitter. Criteria: GeneDx Variant Classification Process June 2021. Collection method: clinical testing. Allele origin: germline.
Comment: Canonical splice site variant in a gene or region of a gene for which loss of function is not a well-established mechanism of disease; Not observed at significant frequency in large population cohorts (gnomAD); Has not been previously published as pathogenic or benign to our knowledge

Labcorp Genetics (formerly Invitae), Labcorp
Classification: Uncertain significance. Last evaluated: 2021-05-08. Review status: criteria provided, single submitter. Criteria: Invitae Variant Classification Sherloc (09022015). Collection method: clinical testing. Allele origin: germline.
Comment: This sequence change affects a donor splice site in intron 21 of the CAMK2B gene. It is expected to disrupt RNA splicing. Variants that disrupt the donor or acceptor splice site typically lead to a loss of protein function (PMID: 16199547), however the current clinical and genetic evidence is not sufficient to establish whether loss-of-function variants in CAMK2B cause disease. This variant is not present in population databases (ExAC no frequency). This variant has not been reported in the literature in individuals with CAMK2B-related conditions. Algorithms developed to predict the effect of sequence changes on RNA splicing suggest that this variant may disrupt the consensus splice site, but this prediction has not been confirmed by published transcriptional studies. In summary, the available evidence is currently insufficient to determine the role of this variant in disease. Therefore, it has been classified as a Variant of Uncertain Significance.

Literature cited by the submitters: PubMed 16199547 (cited by Labcorp Genetics (formerly Invitae), Labcorp).

NM_001220.5(CAMK2B):c.1673+1G>A

Gene: CAMK2B (calcium/calmodulin dependent protein kinase II beta; minus strand). Cytogenetic location: 7p13.
Variant type: single nucleotide variant.
Coding change: c.1673+1G>A on transcript NM_001220.5 (MANE Select); the canonical splice donor site of the intron after coding-DNA position 1673, G replaced by A.
Molecular consequence: splice donor variant.
Genome position (GRCh38, 1-based): chr7:44,220,825, C>T on the plus strand (G>A on the coding strand, the complement: CAMK2B is on the minus strand). VCF-style: chr7-44220825-C-T. GRCh37 (hg19) VCF-style: chr7-44260424-C-T.
Other names: c.1022+1G>A (NM_172084.3); c.1226+1G>A (NM_172080.3); c.1112+1G>A (NM_172083.3); c.1184+1G>A (NM_172081.3); c.1229+1G>A (NM_172079.3, NM_172082.3); c.1301+1G>A (NM_001293170.2, NM_172078.3).
Identifiers: ClinVar variation 1380506 (VCV001380506.10), dbSNP rs2128862080, ClinGen allele CA367369867.